The following is an entry in ClinVar:

ClinVar aggregate classification (germline): Uncertain significance (1 of 4 stars; one submission).

Conditions:
Nephrolithiasis/nephrocalcinosis. Identifiers: MedGen CN580796.

Submission:

Ambry Genetics
Classification: Uncertain significance for Nephrolithiasis/nephrocalcinosis. Last evaluated: 2023-06-21. Review status: criteria provided, single submitter. Criteria: Ambry Variant Classification Scheme 2023. Collection method: clinical testing. Allele origin: germline.
Comment: The p.S301C variant (also known as c.901A>T), located in coding exon 3 of the CASR gene, results from an A to T substitution at nucleotide position 901. The serine at codon 301 is replaced by cysteine, an amino acid with dissimilar properties. This amino acid position is conserved. In addition, this alteration is predicted to be deleterious by in silico analysis. Since supporting evidence is limited at this time, the clinical significance of this alteration remains unclear.

NM_000388.4(CASR):c.901A>T (p.Ser301Cys)

Gene: CASR (calcium sensing receptor; plus strand). Cytogenetic location: 3q21.1.
Variant type: single nucleotide variant.
Coding change: c.901A>T on transcript NM_000388.4 (MANE Select); coding-DNA position 901, A replaced by T.
Protein change: p.Ser301Cys; replaces serine 301 with cysteine.
Molecular consequence: missense variant.
Genome position (GRCh38, 1-based): chr3:122,261,936, A>T. VCF-style: chr3-122261936-A-T. GRCh37 (hg19) VCF-style: chr3-121980783-A-T.
Other names: c.901A>T, p.Ser301Cys (NM_001178065.2); short protein forms S301C.
Identifiers: ClinVar variation 3231595 (VCV003231595.1), dbSNP rs2473227069, ClinGen allele CA354151597.
Genomic context (GRCh38, chr3:122,261,936, plus strand): 5'-AAGGAGATTGTCCGGCGCAATATCACGGGCAAGATCTGGCTGGCCAGCGAGGCCTGGGCC[A>T]GCTCCTCCCTGATCGCCATGCCTCAGTACTTCCACGTGGTTGGCGGCACCATTGGATTCG-3'
Protein context (NP_000379.3, residues 291-311): KIWLASEAWA[Ser301Cys]SSLIAMPQYF